The following is an entry in ClinVar:

ClinVar aggregate classification (germline): Pathogenic/Likely pathogenic. Review status: criteria provided, multiple submitters, no conflicts (2 of 4 stars). 2 submissions from 2 submitters: Pathogenic (1); Likely pathogenic (1). Last evaluated 2024-05-02.

Conditions:
TAP1-related disorder. Also called: TAP1-related condition.
MHC class I deficiency. Identifiers: Orphanet 34592, MedGen C6024714, MONDO:0011476.

Allele frequency attached by ClinVar (database versions not stated): ExAC 0.00001; gnomAD exomes 0.00001.

Submissions (2):

Blueprint Genetics
Classification: Likely pathogenic for TAP1-related disorders. Last evaluated: 2024-05-02. Review status: criteria provided, single submitter. Criteria: ACMG Guidelines, 2015. Collection method: clinical testing. Allele origin: germline. Affected: yes. Observed: 3 variant alleles.

Labcorp Genetics (formerly Invitae), Labcorp
Classification: Pathogenic for MHC class I deficiency 1. Last evaluated: 2024-01-08. Review status: criteria provided, single submitter. Criteria: Invitae Variant Classification Sherloc (09022015). Collection method: clinical testing. Allele origin: germline.
Comment: This sequence change creates a premature translational stop signal (p.Pro396Leufs*62) in the TAP1 gene. It is expected to result in an absent or disrupted protein product. Loss-of-function variants in TAP1 are known to be pathogenic (PMID: 10074494, 10074495). This variant is present in population databases (rs770072323, gnomAD 0.002%). This variant has not been reported in the literature in individuals affected with TAP1-related conditions. ClinVar contains an entry for this variant (Variation ID: 1455001). For these reasons, this variant has been classified as Pathogenic.

Literature cited by the submitters: PubMed 10074494 (cited by Labcorp Genetics (formerly Invitae), Labcorp); PubMed 10074495 (cited by Labcorp Genetics (formerly Invitae), Labcorp).

NM_000593.6(TAP1):c.1005del (p.Pro336fs)

Gene: TAP1 (transporter 1, ATP binding cassette subfamily B member; minus strand). Cytogenetic location: 6p21.32.
Variant type: Deletion.
Coding change: c.1005del on transcript NM_000593.6 (MANE Select); coding-DNA position 1005, one base deleted (G; older notation c.1005delG).
Protein change: p.Pro336fs; shifts the reading frame from proline 336.
Molecular consequence: frameshift variant.
Genome position (GRCh38, 1-based): chr6:32,850,989, C deleted on the plus strand (G on the coding strand, the reverse complement: TAP1 is on the minus strand). VCF-style (leftmost placement, unchanged base first): chr6-32850988-GC-G. GRCh37 (hg19) VCF-style: chr6-32818765-GC-G.
Other names: c.402del, p.Pro135fs (NM_001292022.2); short protein forms P135fs, P336fs.
Identifiers: ClinVar variation 1455001 (VCV001455001.7), dbSNP rs770072323, ClinGen allele CA3746880.